The following is an entry in ClinVar:

ClinVar aggregate classification (germline): Uncertain significance. Review status: criteria provided, multiple submitters, no conflicts (2 of 4 stars). 4 submissions from 4 submitters: Uncertain significance (4). Last evaluated 2026-04-13.

Conditions:
Generalized epilepsy-paroxysmal dyskinesia syndrome (PNKD3). Also called: Generalized epilepsy and paroxysmal dyskinesia; Paroxysmal nonkinesigenic dyskinesia, 3, with or without generalized epilepsy. Identifiers: Orphanet 79137, MedGen C5574945, MONDO:0012276, OMIM 609446.
Inborn genetic diseases. Identifiers: MedGen C0950123, MeSH D030342.

gnomAD v4.1: 13 of 1,608,812 alleles (0.00081%); highest among the groups gnomAD compares: Non-Finnish European, 0.001%; no homozygotes.

Submissions (4):

GeneDx
Classification: Uncertain significance. Last evaluated: 2026-04-13. Review status: criteria provided, single submitter. Criteria: GeneDx Variant Classification Process June 2021. Collection method: clinical testing. Allele origin: germline.
Comment: Not observed at significant frequency in large population cohorts (gnomAD); In silico analysis supports that this missense variant has a deleterious effect on protein structure/function; Has not been previously published as pathogenic or benign to our knowledge

Ambry Genetics
Classification: Uncertain significance for Inborn genetic diseases. Last evaluated: 2025-05-19. Review status: criteria provided, single submitter. Criteria: Ambry Variant Classification Scheme 2023. Collection method: clinical testing. Allele origin: germline.

Labcorp Genetics (formerly Invitae), Labcorp
Classification: Uncertain significance for Generalized epilepsy-paroxysmal dyskinesia syndrome. Last evaluated: 2024-12-22. Review status: criteria provided, single submitter. Criteria: Invitae Variant Classification Sherloc (09022015). Collection method: clinical testing. Allele origin: germline.
Comment: This sequence change replaces glycine, which is neutral and non-polar, with aspartic acid, which is acidic and polar, at codon 612 of the KCNMA1 protein (p.Gly612Asp). This variant is not present in population databases (gnomAD no frequency). This variant has not been reported in the literature in individuals affected with KCNMA1-related conditions. Invitae Evidence Modeling of protein sequence and biophysical properties (such as structural, functional, and spatial information, amino acid conservation, physicochemical variation, residue mobility, and thermodynamic stability) indicates that this missense variant is not expected to disrupt KCNMA1 protein function with a negative predictive value of 80%. In summary, the available evidence is currently insufficient to determine the role of this variant in disease. Therefore, it has been classified as a Variant of Uncertain Significance.

Blueprint Genetics
Classification: Uncertain significance. Last evaluated: 2020-07-01. Review status: criteria provided, single submitter. Criteria: ACMG Guidelines, 2015. Collection method: clinical testing. Allele origin: germline.

NM_001161352.2(KCNMA1):c.1835G>A (p.Gly612Asp)

Gene: KCNMA1 (potassium calcium-activated channel subfamily M alpha 1; minus strand). Cytogenetic location: 10q22.3.
Variant type: single nucleotide variant.
Coding change: c.1835G>A on transcript NM_001161352.2 (MANE Select); coding-DNA position 1835, G replaced by A.
Protein change: p.Gly612Asp; replaces glycine 612 with aspartic acid.
Molecular consequence: missense variant.
Genome position (GRCh38, 1-based): chr10:77,039,552, C>T on the plus strand (G>A on the coding strand, the complement: KCNMA1 is on the minus strand). VCF-style: chr10-77039552-C-T. GRCh37 (hg19) VCF-style: chr10-78799310-C-T.
Other names: c.1835G>A (NM_002247.3); c.1835G>A, p.Gly612Asp (NM_001014797.3, NM_001161353.2, NM_001271519.2 and 8 more transcripts); c.1673G>A, p.Gly558Asp (NM_001271518.2); c.1295G>A, p.Gly432Asp (NM_001322838.2); short protein forms G612D, G432D, G558D.
Identifiers: ClinVar variation 3680149 (VCV003680149.5).
Genomic context (GRCh38, chr10:77,039,552, plus strand): 5'-TGAAAGCCAAAGAGCATCCAGTTAAAGGTCACTTACTCACAAACAGTAGGGAAGGACAGA[C>T]CCACGAAGGCACTGGAGAGATATTCTGTGTACATTTCATTTGAGACTCCTTCCAAGTAGT-3'
Protein context (NP_001154824.1, residues 602-622): YTEYLSSAFV[Gly612Asp]LSFPTVCELC